The following is an entry in ClinVar:

ClinVar aggregate classification (germline): Uncertain significance. Review status: criteria provided, multiple submitters, no conflicts (2 of 4 stars). 3 submissions from 3 submitters: Uncertain significance (3). Last evaluated 2026-01-14.

Conditions:
Hereditary cancer-predisposing syndrome. Also called: Neoplastic Syndromes, Hereditary; Tumor predisposition; Hereditary neoplastic syndrome; Hereditary Cancer Syndrome. Identifiers: Orphanet 140162, MedGen C0027672, MeSH D009386, MONDO:0015356.

Allele frequency attached by ClinVar (database versions not stated): gnomAD 0.00003.
gnomAD v4.1: 2 of 1,613,790 alleles (0.00012%); highest among the groups gnomAD compares: African/African-American, 0.0027%; no homozygotes.

Submissions (3):

Labcorp Genetics (formerly Invitae), Labcorp
Classification: Uncertain significance. Last evaluated: 2026-01-14. Review status: criteria provided, single submitter. Criteria: Invitae Variant Classification Sherloc (09022015). Collection method: clinical testing. Allele origin: germline.
Comment: This sequence change replaces arginine, which is basic and polar, with proline, which is neutral and non-polar, at codon 1823 of the POLE protein (p.Arg1823Pro). This variant is present in population databases (no rsID available, gnomAD 0.01%). This variant has not been reported in the literature in individuals affected with POLE-related conditions. ClinVar contains an entry for this variant (Variation ID: 569025). Invitae Evidence Modeling of protein sequence and biophysical properties (such as structural, functional, and spatial information, amino acid conservation, physicochemical variation, residue mobility, and thermodynamic stability) indicates that this missense variant is not expected to disrupt POLE protein function with a negative predictive value of 80%. In summary, the available evidence is currently insufficient to determine the role of this variant in disease. Therefore, it has been classified as a Variant of Uncertain Significance.

GeneDx
Classification: Uncertain significance. Last evaluated: 2024-09-16. Review status: criteria provided, single submitter. Criteria: GeneDx Variant Classification Process June 2021. Collection method: clinical testing. Allele origin: germline. Affected: yes.
Comment: Not observed at significant frequency in large population cohorts (gnomAD); In silico analysis supports that this missense variant has a deleterious effect on protein structure/function; Has not been previously published as pathogenic or benign to our knowledge; In silico analysis suggests this variant may impact gene splicing. In the absence of RNA/functional studies, the actual effect of this sequence change is unknown.

Ambry Genetics
Classification: Uncertain significance for Hereditary cancer-predisposing syndrome. Last evaluated: 2023-12-29. Review status: criteria provided, single submitter. Criteria: Ambry Variant Classification Scheme 2023. Collection method: clinical testing. Allele origin: germline.
Comment: The p.R1823P variant (also known as c.5468G>C), located in coding exon 40 of the POLE gene, results from a G to C substitution at nucleotide position 5468. The arginine at codon 1823 is replaced by proline, an amino acid with dissimilar properties. This amino acid position is conserved. In addition, this alteration is predicted to be deleterious by in silico analysis. Since supporting evidence is limited at this time, the clinical significance of this alteration remains unclear.

NM_006231.4(POLE):c.5468G>C (p.Arg1823Pro)

Gene: POLE (DNA polymerase epsilon, catalytic subunit; minus strand). Cytogenetic location: 12q24.33.
Variant type: single nucleotide variant.
Coding change: c.5468G>C on transcript NM_006231.4 (MANE Select); coding-DNA position 5468, G replaced by C.
Protein change: p.Arg1823Pro; replaces arginine 1823 with proline.
Molecular consequence: missense variant.
Genome position (GRCh38, 1-based): chr12:132,639,209, C>G on the plus strand (G>C on the coding strand, the complement: POLE is on the minus strand). VCF-style: chr12-132639209-C-G. GRCh37 (hg19) VCF-style: chr12-133215795-C-G.
Other names: short protein forms R1823P.
Identifiers: ClinVar variation 569025 (VCV000569025.12), dbSNP rs767747669, ClinGen allele CA387374703.